The following is an entry in ClinVar:

NM_001134831.2(AHI1):c.1680A>G (p.Pro560=)

Gene: AHI1 (Abelson helper integration site 1; minus strand). Cytogenetic location: 6q23.3.
Variant type: single nucleotide variant.
Coding change: c.1680A>G on transcript NM_001134831.2 (MANE Select); coding-DNA position 1680, A replaced by G.
Protein change: p.Pro560=; no amino-acid change (proline 560 retained).
Molecular consequence: synonymous variant.
Genome position (GRCh38, 1-based): chr6:135,447,107, T>C on the plus strand (A>G on the coding strand, the complement: AHI1 is on the minus strand). VCF-style: chr6-135447107-T-C. GRCh37 (hg19) VCF-style: chr6-135768245-T-C.
Other names: c.1680A>G, p.Pro560= (NM_001134830.2, NM_001134832.2, NM_001350503.2 and 2 more transcripts).
Identifiers: ClinVar variation 355507 (VCV000355507.44), dbSNP rs200949030, ClinGen allele CA4012546.

ClinVar aggregate classification (germline): Conflicting classifications of pathogenicity. Review status: criteria provided, conflicting classifications (1 of 4 stars). 6 submissions from 6 submitters: Uncertain significance (2); Benign (1); Likely benign (3). Last evaluated 2026-09-01.

Conditions:
AHI1-related disorder. Also called: AHI1-related condition.
Joubert syndrome. Also called: Familial aplasia of the vermis; JOUBERT-BOLTSHAUSER SYNDROME. Identifiers: Orphanet 475, MedGen C5979921, MONDO:0018772.
Joubert syndrome 3 (JBTS3). Also called: AHI1-related Ciliopathy. Identifiers: Orphanet 220493, MedGen C1837713, MONDO:0012078, OMIM 608629.

Allele frequency attached by ClinVar (database versions not stated): gnomAD 0.00006 and 0.00011; gnomAD exomes 0.00007 and 0.00023; TOPMed 0.00011; ExAC 0.00027; 1000 Genomes Project 30x 0.00078; 1000 Genomes Project 0.00080.
gnomAD v4.1: 122 of 1,600,990 alleles (0.0076%); highest among the groups gnomAD compares: East Asian, 0.24%; no homozygotes.

Submissions (6):

CeGaT Center for Human Genetics Tuebingen
Classification: Likely benign. Last evaluated: 2026-09-01. Review status: criteria provided, single submitter. Criteria: CeGaT Center For Human Genetics Tuebingen Variant Classification Criteria Version 2. Collection method: clinical testing. Allele origin: germline. Affected: yes. Observed: 2 variant alleles.
Comment: AHI1: BP4, BP7

Labcorp Genetics (formerly Invitae), Labcorp
Classification: Benign for Joubert syndrome. Last evaluated: 2026-01-26. Review status: criteria provided, single submitter. Criteria: Invitae Variant Classification Sherloc (09022015). Collection method: clinical testing. Allele origin: germline.

PreventionGenetics, part of Exact Sciences
Classification: Likely benign for AHI1-related condition. Last evaluated: 2025-06-05. Review status: criteria provided, single submitter. Criteria: ACMG Guidelines, 2015. Collection method: clinical testing. Allele origin: germline.
Comment: This variant is classified as likely benign based on ACMG/AMP sequence variant interpretation guidelines (Richards et al. 2015 PMID: 25741868, with internal and published modifications).

Blueprint Genetics
Classification: Likely benign. Last evaluated: 2024-01-09. Review status: criteria provided, single submitter. Criteria: ACMG Guidelines, 2015. Collection method: clinical testing. Allele origin: germline.

Illumina Laboratory Services, Illumina
Classification: Uncertain significance for Joubert syndrome 3. Last evaluated: 2018-01-12. Review status: criteria provided, single submitter. Criteria: ICSL Variant Classification Criteria 13 December 2019. Collection method: clinical testing. Allele origin: germline.

Eurofins Ntd Llc (ga)
Classification: Uncertain significance. Last evaluated: 2017-06-07. Review status: criteria provided, single submitter. Criteria: EGL Classification Definitions 2015. Collection method: clinical testing. Allele origin: germline. Observed: 1 variant allele, 1 heterozygote.